The following is an entry in ClinVar:

ClinVar aggregate classification (germline): Uncertain significance. Review status: criteria provided, multiple submitters, no conflicts (2 of 4 stars). 2 submissions from 2 submitters: Uncertain significance (2). Last evaluated 2025-02-25.

Conditions:
Hereditary cancer-predisposing syndrome. Also called: Hereditary neoplastic syndrome; Tumor predisposition; Neoplastic Syndromes, Hereditary; Hereditary Cancer Syndrome. Identifiers: Orphanet 140162, MedGen C0027672, MeSH D009386, MONDO:0015356.
Ataxia-telangiectasia syndrome (AT). Also called: Cerebello-oculocutaneous telangiectasia; ATAXIA-TELANGIECTASIA, COMPLEMENTATION GROUP A; ATAXIA-TELANGIECTASIA, FRESNO VARIANT; Ataxia-telangiectasia, complementation group D; AT, COMPLEMENTATION GROUP C; Immunodeficiency with ataxia telangiectasia. Identifiers: Orphanet 100, MedGen C0004135, MONDO:0008840, OMIM 208900.

Allele frequency attached by ClinVar (database versions not stated): gnomAD exomes below 0.00001.
gnomAD v4.1: 1 of 1,614,090 alleles (0.000062%); highest among the groups gnomAD compares: East Asian, 0.0022%; no homozygotes.

Submissions (2):

Ambry Genetics
Classification: Uncertain significance for Hereditary cancer-predisposing syndrome. Last evaluated: 2025-02-25. Review status: criteria provided, single submitter. Criteria: Ambry Variant Classification Scheme 2023. Collection method: clinical testing. Allele origin: germline.
Comment: The p.V682G variant (also known as c.2045T>G), located in coding exon 12 of the ATM gene, results from a T to G substitution at nucleotide position 2045. The valine at codon 682 is replaced by glycine, an amino acid with dissimilar properties. This amino acid position is conserved. In addition, this alteration is predicted to be deleterious by in silico analysis. Based on the available evidence, the clinical significance of this variant remains unclear.

Labcorp Genetics (formerly Invitae), Labcorp
Classification: Uncertain significance for Ataxia-telangiectasia syndrome. Last evaluated: 2024-10-09. Review status: criteria provided, single submitter. Criteria: Invitae Variant Classification Sherloc (09022015). Collection method: clinical testing. Allele origin: germline.
Comment: This sequence change replaces valine, which is neutral and non-polar, with glycine, which is neutral and non-polar, at codon 682 of the ATM protein (p.Val682Gly). This variant is present in population databases (no rsID available, gnomAD 0.006%). This variant has not been reported in the literature in individuals affected with ATM-related conditions. ClinVar contains an entry for this variant (Variation ID: 1719759). Invitae Evidence Modeling of protein sequence and biophysical properties (such as structural, functional, and spatial information, amino acid conservation, physicochemical variation, residue mobility, and thermodynamic stability) indicates that this missense variant is not expected to disrupt ATM protein function with a negative predictive value of 95%. In summary, the available evidence is currently insufficient to determine the role of this variant in disease. Therefore, it has been classified as a Variant of Uncertain Significance.

NM_000051.4(ATM):c.2045T>G (p.Val682Gly)

Gene: ATM (ATM serine/threonine kinase; plus strand). Cytogenetic location: 11q22.3.
Variant type: single nucleotide variant.
Coding change: c.2045T>G on transcript NM_000051.4 (MANE Select); coding-DNA position 2045, T replaced by G.
Protein change: p.Val682Gly; replaces valine 682 with glycine.
Molecular consequence: missense variant.
Genome position (GRCh38, 1-based): chr11:108,253,960, T>G. VCF-style: chr11-108253960-T-G. GRCh37 (hg19) VCF-style: chr11-108124687-T-G.
Other names: c.2045T>G, p.Val682Gly (NM_001351834.2); short protein forms V682G.
Identifiers: ClinVar variation 1719759 (VCV001719759.6), dbSNP rs1406284360, ClinGen allele CA382537431.